The following is an entry in ClinVar:

NM_198129.4(LAMA3):c.9353G>A (p.Ser3118Asn)

Gene: LAMA3 (laminin subunit alpha 3; plus strand). Cytogenetic location: 18q11.2.
Variant type: single nucleotide variant.
Coding change: c.9353G>A on transcript NM_198129.4 (MANE Select); coding-DNA position 9353, G replaced by A.
Protein change: p.Ser3118Asn; replaces serine 3118 with asparagine.
Molecular consequence: missense variant.
Genome position (GRCh38, 1-based): chr18:23,949,766, G>A. VCF-style: chr18-23949766-G-A. GRCh37 (hg19) VCF-style: chr18-21529730-G-A.
Other names: c.4526G>A, p.Ser1509Asn (NM_000227.6); c.9185G>A, p.Ser3062Asn (NM_001127717.4); c.4358G>A, p.Ser1453Asn (NM_001127718.4); short protein forms S3118N, S1509N, S3062N, S1453N.
Identifiers: ClinVar variation 283773 (VCV000283773.18), dbSNP rs61749943, ClinGen allele CA8917180.

ClinVar aggregate classification (germline): Benign. Review status: criteria provided, multiple submitters, no conflicts (2 of 4 stars). 5 submissions from 4 submitters: Benign (5). Last evaluated 2026-02-01.

Conditions:
Junctional epidermolysis bullosa gravis of Herlitz. Also called: Epidermolysis Bullosa Letalis; EPIDERMOLYSIS BULLOSA JUNCTIONALIS, HERLITZ TYPE; EPIDERMOLYSIS BULLOSA, JUNCTIONAL, HERLITZ-PEARSON TYPE; JEB-HERLITZ TYPE; EPIDERMOLYSIS BULLOSA, JUNCTIONAL 1B, SEVERE; Herlitz-type junctional epidermolysis bullosa. Identifiers: Orphanet 79404, MedGen C0079683, MONDO:0009182, OMIM 226700.
Laryngo-onycho-cutaneous syndrome (JEB2C). Also called: LOGIC SYNDROME; SHABBIR SYNDROME; EPIDERMOLYSIS BULLOSA, JUNCTIONAL 2C, LARYNGOONYCHOCUTANEOUS. Identifiers: Orphanet 2407, MedGen C1328355, MONDO:0009513, OMIM 245660.

Allele frequency attached by ClinVar (database versions not stated): ESP Exome Variant Server 0.00031; gnomAD exomes 0.00414 and 0.01619; gnomAD 0.00618 and 0.00689; TOPMed 0.01167; ExAC 0.01268; 1000 Genomes Project 0.01717; 1000 Genomes Project 30x 0.01858.
gnomAD v4.1: 7,173 of 1,613,876 alleles (0.44%); highest among the groups gnomAD compares: Admixed American, 7.1%; 263 homozygotes.

Submissions (5):

Labcorp Genetics (formerly Invitae), Labcorp
Classification: Benign. Last evaluated: 2026-02-01. Review status: criteria provided, single submitter. Criteria: Invitae Variant Classification Sherloc (09022015). Collection method: clinical testing. Allele origin: germline.

Illumina Laboratory Services, Illumina
Classification: Benign for Laryngo-onycho-cutaneous syndrome. Last evaluated: 2018-01-13. Review status: criteria provided, single submitter. Criteria: ICSL Variant Classification Criteria 13 December 2019. Collection method: clinical testing. Allele origin: germline.
Comment: This variant was observed in the ICSL laboratory as part of a predisposition screen in an ostensibly healthy population. It had not been previously curated by ICSL or reported in the Human Gene Mutation Database (HGMD: prior to June 1st, 2018), and was therefore a candidate for classification through an automated scoring system. Utilizing variant allele frequency, disease prevalence and penetrance estimates, and inheritance mode, an automated score was calculated to assess if this variant is too frequent to cause the disease. Based on the score and internal cut-off values, a variant classified as benign is not then subjected to further curation. The score for this variant resulted in a classification of benign for this disease.

Illumina Laboratory Services, Illumina
Classification: Benign for Junctional epidermolysis bullosa gravis of Herlitz. Last evaluated: 2018-01-13. Review status: criteria provided, single submitter. Criteria: ICSL Variant Classification Criteria 13 December 2019. Collection method: clinical testing. Allele origin: germline.
Comment: the same text as in the submission from Illumina Laboratory Services, Illumina above.

Eurofins Ntd Llc (ga)
Classification: Benign. Last evaluated: 2015-10-05. Review status: criteria provided, single submitter. Criteria: EGL Classification Definitions 2015. Collection method: clinical testing. Allele origin: germline. Observed: 1 variant allele, 1 heterozygote.

Breakthrough Genomics
Classification: Benign. Review status: criteria provided, single submitter. Criteria: ACMG Guidelines, 2015. Collection method: not provided. Allele origin: germline. Inheritance: Autosomal recessive inheritance. Affected: yes.